The following is an entry in ClinVar:

NM_001378454.1(ALMS1):c.7280C>T (p.Ser2427Leu)

Gene: ALMS1 (ALMS1 centrosome and basal body associated protein; plus strand). Cytogenetic location: 2p13.1.
Variant type: single nucleotide variant.
Coding change: c.7280C>T on transcript NM_001378454.1 (MANE Select); coding-DNA position 7280, C replaced by T.
Protein change: p.Ser2427Leu; replaces serine 2427 with leucine.
Molecular consequence: missense variant.
Genome position (GRCh38, 1-based): chr2:73,453,807, C>T. VCF-style: chr2-73453807-C-T. GRCh37 (hg19) VCF-style: chr2-73680934-C-T.
Other names: c.7283C>T, p.Ser2428Leu (NM_015120.4); short protein forms S2428L, S2427L.
Identifiers: ClinVar variation 1758075 (VCV001758075.6), dbSNP rs775402610, ClinGen allele CA1714208.
Genomic context (GRCh38, chr2:73,453,807, plus strand): 5'-TGATGACTGTCATAAAAAGTGATTCAAGTAGTGATGCCAGTGATGGAAATGGTTCCTGCT[C>T]GTGGGACAGTAATTTACCAGAGTCTTTGGAATCAGTTTCTGATGTTCTTCTAAACTTCTT-3'
Protein context (NP_001365383.1, residues 2417-2437): SDASDGNGSC[Ser2427Leu]WDSNLPESLE

ClinVar aggregate classification (germline): Uncertain significance. Review status: criteria provided, multiple submitters, no conflicts (2 of 4 stars). 2 submissions from 2 submitters: Uncertain significance (2). Last evaluated 2025-01-28.

Conditions:
Cardiovascular phenotype. Identifiers: MedGen CN230736.
Alstrom syndrome (ALMS). Identifiers: Orphanet 64, MedGen C0268425, MONDO:0008763, OMIM 203800.

Allele frequency attached by ClinVar (database versions not stated): gnomAD 0.00001; TOPMed 0.00001; gnomAD exomes 0.00002; ExAC 0.00005.
gnomAD v4.1: 24 of 1,613,960 alleles (0.0015%); highest among the groups gnomAD compares: Admixed American, 0.0067%; no homozygotes.

Submissions (2):

Labcorp Genetics (formerly Invitae), Labcorp
Classification: Uncertain significance for Alstrom syndrome. Last evaluated: 2025-01-28. Review status: criteria provided, single submitter. Criteria: Invitae Variant Classification Sherloc (09022015). Collection method: clinical testing. Allele origin: germline.
Comment: This sequence change replaces serine, which is neutral and polar, with leucine, which is neutral and non-polar, at codon 2428 of the ALMS1 protein (p.Ser2428Leu). This variant is present in population databases (rs775402610, gnomAD 0.01%). This variant has not been reported in the literature in individuals affected with ALMS1-related conditions. ClinVar contains an entry for this variant (Variation ID: 1758075). Experimental studies and prediction algorithms are not available or were not evaluated, and the functional significance of this variant is currently unknown. In summary, the available evidence is currently insufficient to determine the role of this variant in disease. Therefore, it has been classified as a Variant of Uncertain Significance.

Ambry Genetics
Classification: Uncertain significance for Cardiovascular phenotype. Last evaluated: 2022-03-15. Review status: criteria provided, single submitter. Criteria: Ambry Variant Classification Scheme 2023. Collection method: clinical testing. Allele origin: germline.
Comment: The p.S2428L variant (also known as c.7283C>T), located in coding exon 8 of the ALMS1 gene, results from a C to T substitution at nucleotide position 7283. The serine at codon 2428 is replaced by leucine, an amino acid with dissimilar properties. This amino acid position is well conserved in available vertebrate species. In addition, this alteration is predicted to be deleterious by in silico analysis. Since supporting evidence is limited at this time, the clinical significance of this alteration remains unclear.